The following is an entry in ClinVar:

ClinVar aggregate classification (germline): Likely benign. Review status: criteria provided, single submitter (1 of 4 stars). 2 submissions from 2 submitters: Likely benign (1). 1 of the submissions does not count toward it. Last evaluated 2024-10-29.

Conditions:
VPS13A-related disorder. Also called: VPS13A-related condition.

Allele frequency attached by ClinVar (database versions not stated): gnomAD exomes below 0.00001; TOPMed 0.00001.
gnomAD v4.1: 3 of 1,614,012 alleles (0.00019%); highest among the groups gnomAD compares: African/African-American, 0.0027%; no homozygotes.

Submissions (2):

Labcorp Genetics (formerly Invitae), Labcorp
Classification: Likely benign. Last evaluated: 2024-10-29. Review status: criteria provided, single submitter. Criteria: Invitae Variant Classification Sherloc (09022015). Collection method: clinical testing. Allele origin: germline.

PreventionGenetics, part of Exact Sciences
Classification: Likely benign for VPS13A-related condition. Last evaluated: 2019-07-01. Review status: no assertion criteria provided. Collection method: clinical testing. Allele origin: germline. Not counted in ClinVar's aggregate classification.
Comment: This variant is classified as likely benign based on ACMG/AMP sequence variant interpretation guidelines (Richards et al. 2015 PMID: 25741868, with internal and published modifications).

NM_033305.3(VPS13A):c.2253T>G (p.Ser751=)

Gene: VPS13A (vacuolar protein sorting 13 homolog A; plus strand). Cytogenetic location: 9q21.2.
Variant type: single nucleotide variant.
Coding change: c.2253T>G on transcript NM_033305.3 (MANE Select); coding-DNA position 2253, T replaced by G.
Protein change: p.Ser751=; no amino-acid change (serine 751 retained).
Molecular consequence: synonymous variant.
Genome position (GRCh38, 1-based): chr9:77,252,317, T>G. VCF-style: chr9-77252317-T-G. GRCh37 (hg19) VCF-style: chr9-79867233-T-G.
Other names: c.2253T>G, p.Ser751= (NM_001018037.2, NM_001018038.3, NM_015186.4); c.2253T>G (NM_033305.2).
Identifiers: ClinVar variation 1157276 (VCV001157276.11), dbSNP rs937699726, ClinGen allele CA194395882.